The following is an entry in ClinVar:

ClinVar aggregate classification (germline): Pathogenic (1 of 4 stars; one submission).

Submission:

GeneDx
Classification: Pathogenic. Last evaluated: 2024-06-04. Review status: criteria provided, single submitter. Criteria: GeneDx Variant Classification Process June 2021. Collection method: clinical testing. Allele origin: germline. Affected: yes.
Comment: Published functional studies demonstrate p.(E77K) increases the potency of GABRB3 receptors supporting a gain-of-function effect (PMID: 33585817); In silico analysis supports that this missense variant has a deleterious effect on protein structure/function; Not observed at significant frequency in large population cohorts (gnomAD); This variant is associated with the following publications: (PMID: 35605087, 35718920, 29852413, 37647766, 33585817)

NM_000814.6(GABRB3):c.229G>A (p.Glu77Lys)

Gene: GABRB3 (gamma-aminobutyric acid type A receptor subunit beta3; minus strand). Cytogenetic location: 15q12.
Variant type: single nucleotide variant.
Coding change: c.229G>A on transcript NM_000814.6 (MANE Select); coding-DNA position 229, G replaced by A.
Protein change: p.Glu77Lys; replaces glutamic acid 77 with lysine.
Molecular consequence: missense variant. On other transcripts: 5 prime UTR variant (1).
Genome position (GRCh38, 1-based): chr15:26,772,413, C>T on the plus strand (G>A on the coding strand, the complement: GABRB3 is on the minus strand). VCF-style: chr15-26772413-C-T. GRCh37 (hg19) VCF-style: chr15-27017560-C-T.
Other names: c.-123G>A (NM_001278631.2); c.229G>A, p.Glu77Lys (NM_021912.5); short protein forms E77K.
Identifiers: ClinVar variation 3384351 (VCV003384351.1).